The following is an entry in ClinVar:

ClinVar aggregate classification (germline): Benign/Likely benign. Review status: criteria provided, multiple submitters, no conflicts (2 of 4 stars). 13 submissions from 13 submitters: Benign (5); Likely benign (7). 1 of the submissions does not count toward it. Last evaluated 2026-02-03.

Conditions:
Hereditary cancer-predisposing syndrome. Also called: Neoplastic Syndromes, Hereditary; Hereditary Cancer Syndrome; Tumor predisposition; Hereditary neoplastic syndrome. Identifiers: Orphanet 140162, MedGen C0027672, MeSH D009386, MONDO:0015356.
Peutz-Jeghers syndrome (PJS). Also called: POLYPOSIS, HAMARTOMATOUS INTESTINAL; POLYPS-AND-SPOTS SYNDROME; Peutz-Jeghers polyposis; Periorificial lentiginosis syndrome. Identifiers: Orphanet 2869, MedGen C0031269, MeSH D010580, MONDO:0008280, OMIM 175200.

Allele frequency attached by ClinVar (database versions not stated): TOPMed 0.00003; ExAC 0.00006; gnomAD exomes 0.00009; 1000 Genomes Project 0.00020.
gnomAD v4.1: 60 of 1,611,332 alleles (0.0037%); highest among the groups gnomAD compares: Admixed American, 0.033%; no homozygotes.

Submissions (13):

Labcorp Genetics (formerly Invitae), Labcorp
Classification: Benign for Peutz-Jeghers syndrome. Last evaluated: 2026-02-03. Review status: criteria provided, single submitter. Criteria: Invitae Variant Classification Sherloc (09022015). Collection method: clinical testing. Allele origin: germline.

Myriad Genetics, Inc.
Classification: Likely benign for Peutz-Jeghers syndrome. Last evaluated: 2025-03-27. Review status: criteria provided, single submitter. Criteria: Myriad Autosomal Dominant, Autosomal Recessive and X-Linked Classification Criteria (2023). Collection method: clinical testing. Allele origin: unknown.
Comment: This variant is considered likely benign. This variant is intronic and is not expected to impact mRNA splicing.

Center for Genomic Medicine, Rigshospitalet, Copenhagen University Hospital
Classification: Likely benign. Last evaluated: 2025-03-04. Review status: criteria provided, single submitter. Criteria: ACMG Guidelines, 2015. Collection method: clinical testing. Allele origin: germline.

Blueprint Genetics
Classification: Likely benign. Last evaluated: 2024-04-30. Review status: criteria provided, single submitter. Criteria: ACMG Guidelines, 2015. Collection method: clinical testing. Allele origin: germline.

All of Us Research Program, National Institutes of Health
Classification: Likely benign for Peutz-Jeghers syndrome. Last evaluated: 2024-02-05. Review status: criteria provided, single submitter. Criteria: ACMG Guidelines, 2015. Collection method: clinical testing. Allele origin: germline. Inheritance: Autosomal dominant inheritance. Observed: 12 variant alleles, 12 heterozygotes.
Comment: This study involves interpretation of variants in research participants for the purpose of population health screening. Participant phenotype was not available at the time of variant classification. Additional details can be found in publication PMID: 35346344, PMCID: PMC8962531

Institute for Biomarker Research, Medical Diagnostic Laboratories, L.L.C.
Classification: Likely benign for Hereditary cancer-predisposing syndrome. Last evaluated: 2024-01-18. Review status: criteria provided, single submitter. Criteria: ACMG Guidelines, 2015. Collection method: clinical testing. Allele origin: germline.

Genome-Nilou Lab
Classification: Likely benign for Peutz-Jeghers syndrome. Last evaluated: 2021-07-15. Review status: criteria provided, single submitter. Criteria: ACMG Guidelines, 2015. Collection method: clinical testing. Allele origin: germline. Affected: no.

Women's Health and Genetics/Laboratory Corporation of America, LabCorp
Classification: Benign. Last evaluated: 2021-02-12. Review status: criteria provided, single submitter. Criteria: LabCorp Variant Classification Summary - May 2015. Collection method: clinical testing. Allele origin: germline.
Comment: Variant summary: STK11 c.735-9G>A alters a non-conserved nucleotide located close to a canonical splice site and therefore could affect mRNA splicing, leading to a significantly altered protein sequence. 4/4 computational tools predict no significant impact on normal splicing. However, these predictions have yet to be confirmed by functional studies. The variant allele was found at a frequency of 9.3e-05 in 247564 control chromosomes, predominantly at a frequency of 0.00049 within the Latino subpopulation in the gnomAD database. The observed variant frequency within Latino control individuals in the gnomAD database is approximately 78-fold the estimated maximal expected allele frequency for a pathogenic variant in STK11 causing Peutz-Jeghers Syndrome phenotype (6.3e-06), strongly suggesting that the variant is a benign polymorphism found primarily in populations of Latino origin. To our knowledge, no occurrence of c.735-9G>A in individuals affected with Peutz-Jeghers Syndrome and no experimental evidence demonstrating its impact on protein function have been reported. Three other clinical diagnostic laboratories have submitted clinical-significance assessments for this variant to ClinVar after 2014 without evidence for independent evaluation. All laboratories classified the variant as benign/likely benign. Based on the evidence outlined above, the variant was classified as benign.

Sema4
Classification: Benign for Hereditary cancer-predisposing syndrome. Last evaluated: 2021-01-27. Review status: criteria provided, single submitter. Criteria: Sema4 Curation Guidelines. Collection method: curation. Allele origin: germline.

Quest Diagnostics Nichols Institute San Juan Capistrano
Classification: Benign. Last evaluated: 2020-05-29. Review status: criteria provided, single submitter. Criteria: Quest Diagnostics criteria. Collection method: clinical testing. Allele origin: unknown.

Color Diagnostics, LLC DBA Color Health
Classification: Likely benign for Hereditary cancer-predisposing syndrome. Last evaluated: 2017-09-07. Review status: criteria provided, single submitter. Criteria: ACMG Guidelines, 2015. Collection method: clinical testing. Allele origin: germline.

GeneDx
Classification: Benign. Last evaluated: 2015-03-03. Review status: criteria provided, single submitter. Criteria: GeneDx Variant Classification Process June 2021. Collection method: clinical testing. Allele origin: germline. Affected: yes.

Department of Pathology and Laboratory Medicine, Sinai Health System
Classification: Likely benign. Review status: no assertion criteria provided. Collection method: clinical testing. Allele origin: unknown. Affected: yes. Observed: 1 variant allele. Study: The Canadian Open Genetics Repository (COGR). Not counted in ClinVar's aggregate classification.
Comment: The STK11 c.735-9G>A variant was not identified in the literature nor was it identified in the Cosmic, MutDB, LOVD 3.0, Zhejiang University, and in the Insight Hereditary Tumors databases. The variant was not identified in the NHLBI GO Exome Sequencing Project. The variant was identified in dbSNP (ID: rs201899557) as with likely benign allele and in the ClinVar and Clinvitae databases as likely benign by Invitae and Color Genomics. The variant was identified in the 1000 Genomes Project in 1 of 5000 chromosomes (frequency: 0.0002). The variant was identified in control databases in 23 of 245260 chromosomes at a frequency of 0.00009 increasing the likelihood this could be a low frequency benign variant (Genome Aggregation Database Feb 27, 2017). The variant was observed in the following populations: Other in 1 of 5454 chromosomes (freq: 0.0002), Latino in 17 of 33522 chromosomes (freq: 0.0005), European Non-Finnish in 4 of 111066 chromosomes (freq: 0.00004), East Asian in 1 of 17230 chromosomes (freq: 0.00006), while the variant was not observed in the African, Ashkenazi Jewish, European Finnish, and South Asian populations. The variant occurs outside of the splicing consensus sequence and in silico or computational prediction software programs (SpliceSiteFinder, MaxEntScan, NNSPLICE, GeneSplicer) do not predict a difference in splicing. In summary, based on the above information the clinical significance of this variant cannot be determined with certainty at this time although we would lean towards a more benign role for this variant. This variant is classified as likely benign.

NM_000455.5(STK11):c.735-9G>A

Gene: STK11 (serine/threonine kinase 11; plus strand). Cytogenetic location: 19p13.3.
Variant type: single nucleotide variant.
Coding change: c.735-9G>A on transcript NM_000455.5 (MANE Select); 9 bases into the intron before coding-DNA position 735, G replaced by A.
Molecular consequence: intron variant.
Genome position (GRCh38, 1-based): chr19:1,221,204, G>A. VCF-style: chr19-1221204-G-A. GRCh37 (hg19) VCF-style: chr19-1221203-G-A.
Identifiers: ClinVar variation 215741 (VCV000215741.27), dbSNP rs201899557, ClinGen allele CA048867.